The following is an entry in ClinVar:

ClinVar aggregate classification (germline): Pathogenic. Review status: reviewed by expert panel (3 of 4 stars). 7 submissions from 7 submitters: Pathogenic (1). 6 of the submissions do not count toward it. Last evaluated 2016-10-18.

Conditions:
Hereditary breast ovarian cancer syndrome. Also called: Hereditary breast and ovarian cancer syndrome (HBOC); Breast and ovarian cancer; Hereditary breast and ovarian cancer syndrome; Hereditary breast and ovarian cancer; BRCA1- and BRCA2-Associated Hereditary Breast and Ovarian Cancer; Hereditary breast and/or ovarian cancer syndrome. Identifiers: Orphanet 145, MedGen C0677776, MeSH D061325, MONDO:0003582. Disease mechanism: loss of function.
Hereditary cancer-predisposing syndrome. Also called: Hereditary Cancer Syndrome; Neoplastic Syndromes, Hereditary; Hereditary neoplastic syndrome; Tumor predisposition. Identifiers: Orphanet 140162, MedGen C0027672, MeSH D009386, MONDO:0015356.
Breast-ovarian cancer, familial, susceptibility to, 1 (BROVCA1). Also called: BRCA1 Hereditary Breast and Ovarian Cancer; OVARIAN CANCER, SUSCEPTIBILITY TO. Identifiers: Orphanet 145, MedGen C2676676, MONDO:0011450, OMIM 604370. Disease mechanism: loss of function.

Allele frequency attached by ClinVar (database versions not stated): TOPMed 0.00001.

Submissions (7):

Evidence-based Network for the Interpretation of Germline Mutant Alleles (ENIGMA)
Classification: Pathogenic for Breast-ovarian cancer, familial, susceptibility to, 1. Last evaluated: 2016-10-18. Review status: reviewed by expert panel. Criteria: ENIGMA BRCA1/2 Classification Criteria (2015). Collection method: curation. Allele origin: germline.
Comment: Variant allele predicted to encode a truncated non-functional protein.

Women's Health and Genetics/Laboratory Corporation of America, LabCorp
Classification: Pathogenic for Hereditary breast ovarian cancer syndrome. Last evaluated: 2025-07-09. Review status: criteria provided, single submitter. Criteria: LabCorp Variant Classification Summary - May 2015. Collection method: clinical testing. Allele origin: germline. Not counted in ClinVar's aggregate classification.
Comment: Variant summary: BRCA1 c.3679C>T (p.Gln1227X) results in a premature termination codon, predicted to cause a truncation of the encoded protein or absence of the protein due to nonsense mediated decay, which are commonly known mechanisms for disease. The variant was absent in 251292 control chromosomes. c.3679C>T has been observed in individual(s) affected with Hereditary Breast And Ovarian Cancer Syndrome (example: Rebbeck_2018). These data indicate that the variant may be associated with disease. The following publication has been ascertained in the context of this evaluation (PMID: 29446198). ClinVar contains an entry for this variant (Variation ID: 266399). Based on the evidence outlined above, the variant was classified as pathogenic.

Ambry Genetics
Classification: Pathogenic for Hereditary cancer-predisposing syndrome. Last evaluated: 2023-01-17. Review status: criteria provided, single submitter. Criteria: Ambry Variant Classification Scheme 2023. Collection method: clinical testing. Allele origin: germline. Not counted in ClinVar's aggregate classification.
Comment: The p.Q1227* pathogenic mutation (also known as c.3679C>T), located in coding exon 9 of the BRCA1 gene, results from a C to T substitution at nucleotide position 3679. This changes the amino acid from a glutamine to a stop codon within coding exon 9. This alteration was identified in a large, worldwide study of BRCA1/2 mutation positive families (Rebbeck et al. Hum. Mutat. 2018 05;39(5):593-620). This alteration has also been reported in a cohort of Lebanese individuals referred for BRCA1/2 testing (Farra C et al. Hered Cancer Clin Pract, 2019 Jan;17:4). In addition to the clinical data presented in the literature, this alteration is expected to result in loss of function by premature protein truncation or nonsense-mediated mRNA decay. As such, this alteration is interpreted as a disease-causing mutation.

AiLife Diagnostics
Classification: Pathogenic. Last evaluated: 2022-02-24. Review status: criteria provided, single submitter. Criteria: ACMG Guidelines, 2015. Collection method: clinical testing. Allele origin: germline. Affected: yes. Observed: 1 variant allele. Not counted in ClinVar's aggregate classification.

Labcorp Genetics (formerly Invitae), Labcorp
Classification: Pathogenic for Hereditary breast ovarian cancer syndrome. Last evaluated: 2021-09-20. Review status: criteria provided, single submitter. Criteria: Invitae Variant Classification Sherloc (09022015). Collection method: clinical testing. Allele origin: germline. Not counted in ClinVar's aggregate classification.
Comment: For these reasons, this variant has been classified as Pathogenic. ClinVar contains an entry for this variant (Variation ID: 266399). This premature translational stop signal has been observed in individual(s) with a personal and/or family history of breast and/or ovarian cancer (PMID: 29446198). This variant is not present in population databases (ExAC no frequency). This sequence change creates a premature translational stop signal (p.Gln1227*) in the BRCA1 gene. It is expected to result in an absent or disrupted protein product. Loss-of-function variants in BRCA1 are known to be pathogenic (PMID: 20104584).

Quest Diagnostics Nichols Institute San Juan Capistrano
Classification: Pathogenic. Last evaluated: 2020-10-13. Review status: criteria provided, single submitter. Criteria: Quest Diagnostics criteria. Collection method: clinical testing. Allele origin: unknown. Not counted in ClinVar's aggregate classification.
Comment: This nonsense variant causes the premature termination of BRCA1 protein synthesis. It has also been reported as deleterious in the published literature (PMID: 29446198 (2018)). This variant has not been reported in large, multi-ethnic general populations. Based on the available information, the variant is classified as pathogenic.

Consortium of Investigators of Modifiers of BRCA1/2 (CIMBA), c/o University of Cambridge
Classification: Pathogenic for Breast-ovarian cancer, familial, susceptibility to, 1. Last evaluated: 2015-10-02. Review status: criteria provided, single submitter. Criteria: CIMBA Mutation Classification guidelines May 2016. Collection method: clinical testing. Allele origin: germline. Not counted in ClinVar's aggregate classification.

Literature cited by the submitters: PubMed 29446198 (cited by 4 submitters); PubMed 33084842 (cited by AiLife Diagnostics); PubMed 20104584 (cited by Labcorp Genetics (formerly Invitae), Labcorp).

NM_007294.4(BRCA1):c.3679C>T (p.Gln1227Ter)

Genes: BRCA1 (BRCA1 DNA repair associated; minus strand), LOC126862571 (BRD4-independent group 4 enhancer GRCh37_chr17:41243136-41244335; plus strand). Cytogenetic location: 17q21.31.
Variant type: single nucleotide variant.
Coding change: c.3679C>T on transcript NM_007294.4 (MANE Select); coding-DNA position 3679, C replaced by T.
Protein change: p.Gln1227Ter; replaces glutamine 1227 with a stop codon.
Molecular consequence: nonsense. On other transcripts: intron variant (135).
Genome position (GRCh38, 1-based): chr17:43,091,852, G>A on the plus strand (C>T on the coding strand, the complement: BRCA1 is on the minus strand). VCF-style: chr17-43091852-G-A. GRCh37 (hg19) VCF-style: chr17-41243869-G-A.
Other names: 3798C>T (Q1227X); c.3466C>T, p.Gln1156Ter (NM_001407571.1, NM_001407853.1, NM_001407894.1 and 9 more transcripts); c.3679C>T, p.Gln1227Ter (NM_001407581.1, NM_001407582.1, NM_001407583.1 and 30 more transcripts); c.3676C>T, p.Gln1226Ter (NM_001407587.1, NM_001407590.1, NM_001407591.1 and 22 more transcripts); c.3670C>T, p.Gln1224Ter (NM_001407646.1, NM_001407647.1); c.3556C>T, p.Gln1186Ter (NM_001407648.1, NM_001407664.1, NM_001407665.1 and 19 more transcripts); c.3553C>T, p.Gln1185Ter (NM_001407649.1, NM_001407670.1, NM_001407671.1 and 11 more transcripts); c.3601C>T, p.Gln1201Ter (NM_001407653.1, NM_001407654.1, NM_001407655.1 and 4 more transcripts); and 42 more; short protein forms Q1227*, Q1180*, Q1159*, Q1179*, Q1201*, Q1100*, Q1115*, Q1116*.
Identifiers: ClinVar variation 266399 (VCV000266399.18), dbSNP rs886040159, ClinGen allele CA10589729.